The following is an entry in ClinVar:

ClinVar aggregate classification (germline): Benign. Review status: criteria provided, multiple submitters, no conflicts (2 of 4 stars). 2 submissions from 2 submitters: Benign (2). Last evaluated 2018-06-14.

Allele frequency attached by ClinVar (database versions not stated): gnomAD 0.05935 and 0.06391; TOPMed 0.06424; 1000 Genomes Project 30x 0.09072; 1000 Genomes Project 0.09784.
gnomAD v4.1: 9,780 of 152,320 alleles (6.4%); highest among the groups gnomAD compares: East Asian, 30%; 497 homozygotes.

Submissions (2):

GeneDx
Classification: Benign. Last evaluated: 2018-06-14. Review status: criteria provided, single submitter. Criteria: GeneDx Variant Classification (06012015). Collection method: clinical testing. Allele origin: germline. Affected: yes.
Comment: This variant is considered likely benign or benign based on one or more of the following criteria: it is a conservative change, it occurs at a poorly conserved position in the protein, it is predicted to be benign by multiple in silico algorithms, and/or has population frequency not consistent with disease.

Breakthrough Genomics
Classification: Benign. Review status: criteria provided, single submitter. Criteria: ACMG Guidelines, 2015. Collection method: not provided. Allele origin: germline. Inheritance: Autosomal dominant inheritance. Affected: yes.

NM_000093.5(COL5A1):c.1990-219G>A

Gene: COL5A1 (collagen type V alpha 1 chain; plus strand). Cytogenetic location: 9q34.3.
Variant type: single nucleotide variant.
Coding change: c.1990-219G>A on transcript NM_000093.5 (MANE Select); 219 bases into the intron before coding-DNA position 1990, G replaced by A.
Molecular consequence: intron variant.
Genome position (GRCh38, 1-based): chr9:134,763,474, G>A. VCF-style: chr9-134763474-G-A. GRCh37 (hg19) VCF-style: chr9-137655320-G-A.
Other names: c.1990-219G>A (NM_001278074.1).
Identifiers: ClinVar variation 674277 (VCV000674277.2), dbSNP rs11103510, ClinGen allele CA201094151.